The following is an entry in ClinVar:

ClinVar aggregate classification (germline): Uncertain significance (1 of 4 stars; one submission).

Allele frequency attached by ClinVar (database versions not stated): gnomAD exomes below 0.00001.
gnomAD v4.1: 3 of 1,587,184 alleles (0.00019%); highest among the groups gnomAD compares: Non-Finnish European, 0.000086%; no homozygotes.

Submission:

GeneDx
Classification: Uncertain significance. Last evaluated: 2022-06-14. Review status: criteria provided, single submitter. Criteria: GeneDx Variant Classification Process June 2021. Collection method: clinical testing. Allele origin: germline. Affected: yes.
Comment: Not observed at significant frequency in large population cohorts (gnomAD); In silico analysis supports that this missense variant has a deleterious effect on protein structure/function; Has not been previously published as pathogenic or benign to our knowledge

NM_006268.5(DPF2):c.538C>T (p.Arg180Trp)

Gene: DPF2 (double PHD fingers 2; plus strand). Cytogenetic location: 11q13.1.
Variant type: single nucleotide variant.
Coding change: c.538C>T on transcript NM_006268.5 (MANE Select); coding-DNA position 538, C replaced by T.
Protein change: p.Arg180Trp; replaces arginine 180 with tryptophan.
Molecular consequence: missense variant.
Genome position (GRCh38, 1-based): chr11:65,343,817, C>T. VCF-style: chr11-65343817-C-T. GRCh37 (hg19) VCF-style: chr11-65111288-C-T.
Other names: c.538C>T, p.Arg180Trp (NM_001330308.2); short protein forms R180W.
Identifiers: ClinVar variation 1804469 (VCV001804469.1), dbSNP rs1440701138, ClinGen allele CA381252128.
Genomic context (GRCh38, chr11:65,343,817, plus strand): 5'-CCAGATGACTTCCTGGATGACCTCGATGATGAAGACTATGAAGAAGATACTCCCAAGCGT[C>T]GGGGAAAGGGGAAATCCAAGGTGAGGGGCCAGCGTGCTGCCTGCATCTTGGGACAGGGTG-3'
Protein context (NP_006259.1, residues 170-190): EDYEEDTPKR[Arg180Trp]GKGKSKGKGV